The following is an entry in ClinVar:

ClinVar aggregate classification (germline): Uncertain significance (1 of 4 stars; one submission).

Submission:

Labcorp Genetics (formerly Invitae), Labcorp
Classification: Uncertain significance. Last evaluated: 2021-10-21. Review status: criteria provided, single submitter. Criteria: Invitae Variant Classification Sherloc (09022015). Collection method: clinical testing. Allele origin: germline.
Comment: This sequence change replaces alanine with valine at codon 407 of the CLCN4 protein (p.Ala407Val). The alanine residue is moderately conserved and there is a small physicochemical difference between alanine and valine. This variant is not present in population databases (ExAC no frequency). This variant has not been reported in the literature in individuals affected with CLCN4-related conditions. Algorithms developed to predict the effect of missense changes on protein structure and function (SIFT, PolyPhen-2, Align-GVGD) all suggest that this variant is likely to be tolerated. In summary, the available evidence is currently insufficient to determine the role of this variant in disease. Therefore, it has been classified as a Variant of Uncertain Significance.

NM_001830.4(CLCN4):c.1220C>T (p.Ala407Val)

Gene: CLCN4 (chloride voltage-gated channel 4; plus strand). Cytogenetic location: Xp22.2.
Variant type: single nucleotide variant.
Coding change: c.1220C>T on transcript NM_001830.4 (MANE Select); coding-DNA position 1220, C replaced by T.
Protein change: p.Ala407Val; replaces alanine 407 with valine.
Molecular consequence: missense variant.
Genome position (GRCh38, 1-based): chrX:10,208,421, C>T. VCF-style: chrX-10208421-C-T. GRCh37 (hg19) VCF-style: chrX-10176461-C-T.
Other names: c.938C>T, p.Ala313Val (NM_001256944.2); short protein forms A407V, A313V.
Identifiers: ClinVar variation 1482484 (VCV001482484.6), dbSNP rs2147179707, ClinGen allele CA412038154.